The following is an entry in ClinVar:

NM_001042492.3(NF1):c.5549T>A (p.Val1850Asp)

Gene: NF1 (neurofibromin 1; plus strand). Cytogenetic location: 17q11.2.
Variant type: single nucleotide variant.
Coding change: c.5549T>A on transcript NM_001042492.3 (MANE Select); coding-DNA position 5549, T replaced by A.
Protein change: p.Val1850Asp; replaces valine 1850 with aspartic acid.
Molecular consequence: missense variant.
Genome position (GRCh38, 1-based): chr17:31,327,779, T>A. VCF-style: chr17-31327779-T-A. GRCh37 (hg19) VCF-style: chr17-29654797-T-A.
Other names: c.5486T>A, p.Val1829Asp (NM_000267.4); short protein forms V1829D, V1850D.
Identifiers: ClinVar variation 1468975 (VCV001468975.9), dbSNP rs1555533637, ClinGen allele CA399009861.

ClinVar aggregate classification (germline): Uncertain significance. Review status: criteria provided, multiple submitters, no conflicts (2 of 4 stars). 2 submissions from 2 submitters: Uncertain significance (2). Last evaluated 2025-02-05.

Conditions:
Cardiovascular phenotype. Identifiers: MedGen CN230736.
Hereditary cancer-predisposing syndrome. Also called: Neoplastic Syndromes, Hereditary; Hereditary Cancer Syndrome; Tumor predisposition; Hereditary neoplastic syndrome. Identifiers: Orphanet 140162, MedGen C0027672, MeSH D009386, MONDO:0015356.
Neurofibromatosis, type 1 (NF1). Also called: NEUROFIBROMATOSIS, TYPE I, SOMATIC; VON RECKLINGHAUSEN DISEASE; Peripheral type neurofibromatosis; Neurofibromatosis, type I. Identifiers: Orphanet 636, MedGen C0027831, MONDO:0018975, OMIM 162200. Disease mechanism: loss of function.

Submissions (2):

Ambry Genetics
Classification: Uncertain significance for Cardiovascular phenotype; Hereditary cancer-predisposing syndrome. Last evaluated: 2025-02-05. Review status: criteria provided, single submitter. Criteria: Ambry Variant Classification Scheme 2023. Collection method: clinical testing. Allele origin: germline.
Comment: The p.V1829D variant (also known as c.5486T>A), located in coding exon 37 of the NF1 gene, results from a T to A substitution at nucleotide position 5486. The valine at codon 1829 is replaced by aspartic acid, an amino acid with highly dissimilar properties. This amino acid position is conserved. In addition, this alteration is predicted to be deleterious by in silico analysis. Based on the available evidence, the clinical significance of this variant remains unclear.

Labcorp Genetics (formerly Invitae), Labcorp
Classification: Uncertain significance for Neurofibromatosis, type 1. Last evaluated: 2023-02-04. Review status: criteria provided, single submitter. Criteria: Invitae Variant Classification Sherloc (09022015). Collection method: clinical testing. Allele origin: germline.
Comment: In summary, the available evidence is currently insufficient to determine the role of this variant in disease. Therefore, it has been classified as a Variant of Uncertain Significance. Advanced modeling of protein sequence and biophysical properties (such as structural, functional, and spatial information, amino acid conservation, physicochemical variation, residue mobility, and thermodynamic stability) performed at Invitae indicates that this missense variant is expected to disrupt NF1 protein function. ClinVar contains an entry for this variant (Variation ID: 1468975). This variant has not been reported in the literature in individuals affected with NF1-related conditions. This sequence change replaces valine, which is neutral and non-polar, with aspartic acid, which is acidic and polar, at codon 1829 of the NF1 protein (p.Val1829Asp). This variant is not present in population databases (gnomAD no frequency).